The following is an entry in ClinVar:

ClinVar aggregate classification (germline): Conflicting classifications of pathogenicity. Review status: criteria provided, conflicting classifications (1 of 4 stars). 2 submissions from 2 submitters: Uncertain significance (1); Likely benign (1). Last evaluated 2024-09-20.

Conditions:
Hypogonadotropic hypogonadism 5 with or without anosmia (KAL5). Also called: CHD7-Related GnRH Deficiency (Kallmann Syndrome 5); HYPOGONADOTROPIC HYPOGONADISM 5 WITH ANOSMIA; HYPOGONADOTROPHIC HYPOGONADISM 5 WITHOUT ANOSMIA. Identifiers: Orphanet 478, MedGen C3552553, MONDO:0012880, OMIM 612370. Disease mechanism: loss of function.
CHARGE syndrome (CHARGE). Also called: Hittner Hirsch Kreh syndrome; CHARGE ASSOCIATION--COLOBOMA, HEART ANOMALY, CHOANAL ATRESIA, RETARDATION, GENITAL AND EAR ANOMALIES; Coloboma, heart anomaly, choanal atresia, retardation, genital and ear anomalies; CHARGE association; Hall-Hittner syndrome. Identifiers: Orphanet 138, MedGen C0265354, MONDO:0008965.

Submissions (2):

3billion
Classification: Likely benign for CHD7-related CHARGE syndrome; Hypogonadotropic hypogonadism 5 with or without anosmia. Last evaluated: 2024-09-20. Review status: criteria provided, single submitter. Criteria: ACMG Guidelines, 2015. Collection method: clinical testing. Allele origin: germline. Affected: no.
Comment: The variant was identified in at least one patient who was diagnosed with a different variant in another gene and showed no symptoms related to the gene containing the variant in question.

Labcorp Genetics (formerly Invitae), Labcorp
Classification: Uncertain significance for CHARGE syndrome. Last evaluated: 2022-06-10. Review status: criteria provided, single submitter. Criteria: Invitae Variant Classification Sherloc (09022015). Collection method: clinical testing. Allele origin: germline.
Comment: In summary, the available evidence is currently insufficient to determine the role of this variant in disease. Therefore, it has been classified as a Variant of Uncertain Significance. Advanced modeling of protein sequence and biophysical properties (such as structural, functional, and spatial information, amino acid conservation, physicochemical variation, residue mobility, and thermodynamic stability) performed at Invitae indicates that this missense variant is not expected to disrupt CHD7 protein function. This variant has not been reported in the literature in individuals affected with CHD7-related conditions. This variant is not present in population databases (gnomAD no frequency). This sequence change replaces serine, which is neutral and polar, with asparagine, which is neutral and polar, at codon 2277 of the CHD7 protein (p.Ser2277Asn).

NM_017780.4(CHD7):c.6830G>A (p.Ser2277Asn)

Gene: CHD7 (chromodomain helicase DNA binding protein 7; plus strand). Cytogenetic location: 8q12.2.
Variant type: single nucleotide variant.
Coding change: c.6830G>A on transcript NM_017780.4 (MANE Select); coding-DNA position 6830, G replaced by A.
Protein change: p.Ser2277Asn; replaces serine 2277 with asparagine.
Molecular consequence: missense variant. On other transcripts: intron variant (1).
Genome position (GRCh38, 1-based): chr8:60,854,417, G>A. VCF-style: chr8-60854417-G-A. GRCh37 (hg19) VCF-style: chr8-61766976-G-A.
Other names: c.1717-7812G>A (NM_001316690.1); short protein forms S2277N.
Identifiers: ClinVar variation 2000460 (VCV002000460.5), dbSNP rs2488056894, ClinGen allele CA371294757.